The following is an entry in ClinVar:

ClinVar aggregate classification (germline): Uncertain significance (1 of 4 stars; one submission).

Allele frequency attached by ClinVar (database versions not stated): ExAC 0.00002; gnomAD 0.00003; TOPMed 0.00005.

Submission:

Labcorp Genetics (formerly Invitae), Labcorp
Classification: Uncertain significance. Last evaluated: 2022-08-09. Review status: criteria provided, single submitter. Criteria: Invitae Variant Classification Sherloc (09022015). Collection method: clinical testing. Allele origin: germline.
Comment: This sequence change replaces leucine, which is neutral and non-polar, with valine, which is neutral and non-polar, at codon 648 of the PLEKHM2 protein (p.Leu648Val). This variant is present in population databases (rs748069372, gnomAD 0.01%). In summary, the available evidence is currently insufficient to determine the role of this variant in disease. Therefore, it has been classified as a Variant of Uncertain Significance. Algorithms developed to predict the effect of missense changes on protein structure and function (SIFT, PolyPhen-2, Align-GVGD) all suggest that this variant is likely to be tolerated. This variant has not been reported in the literature in individuals affected with PLEKHM2-related conditions.

NM_015164.4(PLEKHM2):c.1942C>G (p.Leu648Val)

Gene: PLEKHM2 (pleckstrin homology and RUN domain containing M2; plus strand). Cytogenetic location: 1p36.21.
Variant type: single nucleotide variant.
Coding change: c.1942C>G on transcript NM_015164.4 (MANE Select); coding-DNA position 1942, C replaced by G.
Protein change: p.Leu648Val; replaces leucine 648 with valine.
Molecular consequence: missense variant.
Genome position (GRCh38, 1-based): chr1:15,728,689, C>G. VCF-style: chr1-15728689-C-G. GRCh37 (hg19) VCF-style: chr1-16055184-C-G.
Other names: c.1882C>G, p.Leu628Val (NM_001410755.1); short protein forms L648V, L628V.
Identifiers: ClinVar variation 2187913 (VCV002187913.4), dbSNP rs748069372, ClinGen allele CA617084.